The following is an entry in ClinVar:

ClinVar aggregate classification (germline): Uncertain significance (1 of 4 stars; one submission).

Submission:

Labcorp Genetics (formerly Invitae), Labcorp
Classification: Uncertain significance. Last evaluated: 2024-04-29. Review status: criteria provided, single submitter. Criteria: Invitae Variant Classification Sherloc (09022015). Collection method: clinical testing. Allele origin: germline.
Comment: This sequence change replaces alanine, which is neutral and non-polar, with threonine, which is neutral and polar, at codon 1012 of the SAMD9L protein (p.Ala1012Thr). This variant is not present in population databases (gnomAD no frequency). This variant has not been reported in the literature in individuals affected with SAMD9L-related conditions. Advanced modeling of protein sequence and biophysical properties (such as structural, functional, and spatial information, amino acid conservation, physicochemical variation, residue mobility, and thermodynamic stability) performed at Invitae indicates that this missense variant is not expected to disrupt SAMD9L protein function with a negative predictive value of 80%. In summary, the available evidence is currently insufficient to determine the role of this variant in disease. Therefore, it has been classified as a Variant of Uncertain Significance.

NM_152703.5(SAMD9L):c.3034G>A (p.Ala1012Thr)

Gene: SAMD9L (sterile alpha motif domain containing 9 like; minus strand). Cytogenetic location: 7q21.2.
Variant type: single nucleotide variant.
Coding change: c.3034G>A on transcript NM_152703.5 (MANE Select); coding-DNA position 3034, G replaced by A.
Protein change: p.Ala1012Thr; replaces alanine 1012 with threonine.
Molecular consequence: missense variant.
Genome position (GRCh38, 1-based): chr7:93,132,938, C>T on the plus strand (G>A on the coding strand, the complement: SAMD9L is on the minus strand). VCF-style: chr7-93132938-C-T. GRCh37 (hg19) VCF-style: chr7-92762251-C-T.
Other names: c.3034G>A, p.Ala1012Thr (NM_001303496.3, NM_001303497.3, NM_001303498.3 and 5 more transcripts); short protein forms A1012T.
Identifiers: ClinVar variation 3673832 (VCV003673832.2).